The following is an entry in ClinVar:

NM_004985.5(KRAS):c.519_520inv (p.Gly174Ser)

Gene: KRAS (KRAS proto-oncogene, GTPase; minus strand). Cytogenetic location: 12p12.1.
Variant type: Inversion.
Coding change: c.519_520inv on transcript NM_004985.5 (MANE Select).
Protein change: p.Gly174Ser; replaces glycine 174 with serine.
Molecular consequence: missense variant. On other transcripts: 3 prime UTR variant (2).
Genome position: GRCh38 VCF-style: chr12-25209842-CA-TG. GRCh37 (hg19) VCF-style: chr12-25362776-CA-TG.
Other names: c.*73_*74inv (NM_001369786.1, NM_033360.4); c.519_520inv, p.Gly174Ser (NM_001369787.1); short protein forms G174S.
Identifiers: ClinVar variation 2113755 (VCV002113755.4), ClinGen allele CA2580085330.

ClinVar aggregate classification (germline): Uncertain significance (1 of 4 stars; one submission).

Conditions:
RASopathy. Also called: rasopathies; Noonan spectrum disorder. Identifiers: Orphanet 536391, MedGen C5555857, MONDO:0021060.

Submission:

Labcorp Genetics (formerly Invitae), Labcorp
Classification: Uncertain significance for RASopathy. Last evaluated: 2023-05-02. Review status: criteria provided, single submitter. Criteria: Invitae Variant Classification Sherloc (09022015). Collection method: clinical testing. Allele origin: germline.
Comment: This variant has not been reported in the literature in individuals affected with KRAS-related conditions. This sequence change replaces glycine, which is neutral and non-polar, with serine, which is neutral and polar, at codon 174 of the KRAS protein (p.Gly174Ser). Information on the frequency of this variant in the gnomAD database is not available, as this variant may be reported differently in the database. ClinVar contains an entry for this variant (Variation ID: 2113755). Experimental studies and prediction algorithms are not available or were not evaluated, and the functional significance of this variant is currently unknown. In summary, the available evidence is currently insufficient to determine the role of this variant in disease. Therefore, it has been classified as a Variant of Uncertain Significance.